The following is an entry in ClinVar:

ClinVar aggregate classification (germline): Uncertain significance. Review status: criteria provided, multiple submitters, no conflicts (2 of 4 stars). 4 submissions from 4 submitters: Uncertain significance (4). Last evaluated 2024-02-24.

Conditions:
Inborn genetic diseases. Identifiers: MedGen C0950123, MeSH D030342.
Nephronophthisis. Also called: Juvenile Nephronophthisis. Identifiers: Orphanet 655, MedGen C0687120, MONDO:0019005, HP:0000090.
Jeune thoracic dystrophy. Also called: Jeune syndrome; Infantile thoracic dystrophy; Thoracic pelvic phalangeal dystrophy; Jeune's syndrome; Chondroectodermal dysplasia-like syndrome; Short-rib thoracic dysplasia. Identifiers: Orphanet 474, MedGen C0265275, MONDO:0018770.
Asphyxiating thoracic dystrophy 4 (SRTD4). Also called: SHORT-RIB THORACIC DYSPLASIA 4 WITH OR WITHOUT POLYDACTYLY; SHORT-RIB THORACIC DYSPLASIA 4. Identifiers: Orphanet 474, MedGen C3151185, MONDO:0013441, OMIM 613819.
Nephronophthisis 12 (NPHP12). Identifiers: Orphanet 655, MedGen C3151186, MONDO:0013442, OMIM 613820.

Submissions (4):

Labcorp Genetics (formerly Invitae), Labcorp
Classification: Uncertain significance for Jeune thoracic dystrophy; Nephronophthisis. Last evaluated: 2024-02-24. Review status: criteria provided, single submitter. Criteria: Invitae Variant Classification Sherloc (09022015). Collection method: clinical testing. Allele origin: germline.
Comment: This sequence change replaces leucine, which is neutral and non-polar, with serine, which is neutral and polar, at codon 992 of the TTC21B protein (p.Leu992Ser). This variant is not present in population databases (gnomAD no frequency). This variant has not been reported in the literature in individuals affected with TTC21B-related conditions. ClinVar contains an entry for this variant (Variation ID: 1520604). Advanced modeling of protein sequence and biophysical properties (such as structural, functional, and spatial information, amino acid conservation, physicochemical variation, residue mobility, and thermodynamic stability) has been performed at Invitae for this missense variant, however the output from this modeling did not meet the statistical confidence thresholds required to predict the impact of this variant on TTC21B protein function. In summary, the available evidence is currently insufficient to determine the role of this variant in disease. Therefore, it has been classified as a Variant of Uncertain Significance.

Ambry Genetics
Classification: Uncertain significance for Inborn genetic diseases. Last evaluated: 2022-10-05. Review status: criteria provided, single submitter. Criteria: Ambry Variant Classification Scheme 2023. Collection method: clinical testing. Allele origin: germline.

Fulgent Genetics
Classification: Uncertain significance for Asphyxiating thoracic dystrophy 4; Nephronophthisis 12. Last evaluated: 2021-12-17. Review status: criteria provided, single submitter. Criteria: ACMG Guidelines, 2015. Collection method: clinical testing. Allele origin: unknown.

Breakthrough Genomics
Classification: Uncertain significance. Review status: criteria provided, single submitter. Criteria: ACMG Guidelines, 2015. Collection method: not provided. Allele origin: germline. Inheritance: Autosomal recessive inheritance. Affected: yes.

NM_024753.5(TTC21B):c.2975T>C (p.Leu992Ser)

Gene: TTC21B (tetratricopeptide repeat domain 21B; minus strand). Cytogenetic location: 2q24.3.
Variant type: single nucleotide variant.
Coding change: c.2975T>C on transcript NM_024753.5 (MANE Select); coding-DNA position 2975, T replaced by C.
Protein change: p.Leu992Ser; replaces leucine 992 with serine.
Molecular consequence: missense variant.
Genome position (GRCh38, 1-based): chr2:165,890,964, A>G on the plus strand (T>C on the coding strand, the complement: TTC21B is on the minus strand). VCF-style: chr2-165890964-A-G. GRCh37 (hg19) VCF-style: chr2-166747474-A-G.
Other names: c.2975T>C (NM_024753.3); short protein forms L992S.
Identifiers: ClinVar variation 1520604 (VCV001520604.9), dbSNP rs995750441, ClinGen allele CA349048476.
Genomic context (GRCh38, chr2:165,890,964, plus strand): 5'-GCCATTGAGAAAAATCTTGGGACATCCTCGAGTTTTCCACATCTTCTTAGGAGATCAATC[A>G]AACGAGATAATGTCATATAATTATCTAGAAACAAATAATACTTCAGATATGGGCACCATT-3'
Protein context (NP_079029.3, residues 982-1002): KPDNYMTLSR[Leu992Ser]IDLLRRCGKL